The following is an entry in ClinVar:

NM_199420.4(POLQ):c.7559G>C (p.Arg2520Thr)

Gene: POLQ (DNA polymerase theta; minus strand). Cytogenetic location: 3q13.33.
Variant type: single nucleotide variant.
Coding change: c.7559G>C on transcript NM_199420.4 (MANE Select); coding-DNA position 7559, G replaced by C.
Protein change: p.Arg2520Thr; replaces arginine 2520 with threonine.
Molecular consequence: missense variant.
Genome position (GRCh38, 1-based): chr3:121,433,018, C>G on the plus strand (G>C on the coding strand, the complement: POLQ is on the minus strand). VCF-style: chr3-121433018-C-G. GRCh37 (hg19) VCF-style: chr3-121151865-C-G.
Other names: short protein forms R2520T.
Identifiers: ClinVar variation 3230161 (VCV003230161.1), dbSNP rs1318479193, ClinGen allele CA354094023.

ClinVar aggregate classification (germline): Uncertain significance (1 of 4 stars; one submission).

Submission:

Ambry Genetics
Classification: Uncertain significance. Last evaluated: 2023-10-20. Review status: criteria provided, single submitter. Criteria: Ambry Variant Classification Scheme 2023. Collection method: clinical testing. Allele origin: germline.
Comment: The p.R2520T variant (also known as c.7559G>C), located in coding exon 29 of the POLQ gene, results from a G to C substitution at nucleotide position 7559. The arginine at codon 2520 is replaced by threonine, an amino acid with similar properties. This amino acid position is conserved. In addition, this alteration is predicted to be tolerated by in silico analysis. Since supporting evidence is limited at this time, the clinical significance of this alteration remains unclear.